The following is an entry in ClinVar:

NM_001349253.2(SCN11A):c.1265A>G (p.Gln422Arg)

Gene: SCN11A (sodium voltage-gated channel alpha subunit 11; minus strand). Cytogenetic location: 3p22.2.
Variant type: single nucleotide variant.
Coding change: c.1265A>G on transcript NM_001349253.2 (MANE Select); coding-DNA position 1265, A replaced by G.
Protein change: p.Gln422Arg; replaces glutamine 422 with arginine.
Molecular consequence: missense variant.
Genome position (GRCh38, 1-based): chr3:38,909,031, T>C on the plus strand (A>G on the coding strand, the complement: SCN11A is on the minus strand). VCF-style: chr3-38909031-T-C. GRCh37 (hg19) VCF-style: chr3-38950522-T-C.
Other names: c.1265A>G, p.Gln422Arg (NM_014139.3); short protein forms Q422R.
Identifiers: ClinVar variation 2948735 (VCV002948735.3), dbSNP rs750881156, ClinGen allele CA2322364.
Genomic context (GRCh38, chr3:38,909,031, plus strand): 5'-CCCACTGTCTGACCCCATGTCCCTACCTCCTTTTCCTCCTTTAACAGCTGCTGGGCTTCC[T>C]GAAACATCTTTTCCTTGGCCTCTATCTCTGCAGCTACATTCTTGTTCTGCTCCTCATATG-3'
Protein context (NP_001336182.1, residues 412-432): AEIEAKEKMF[Gln422Arg]EAQQLLKEEK

ClinVar aggregate classification (germline): Uncertain significance (1 of 4 stars; one submission).

Conditions:
Familial episodic pain syndrome with predominantly lower limb involvement. Also called: Episodic pain syndrome, familial, 3. Identifiers: Orphanet 391384, Orphanet 391392, MedGen C3809899, MONDO:0014247, OMIM 615552.
Hereditary sensory and autonomic neuropathy type 7. Also called: HSAN VII; Neuropathy, hereditary sensory and autonomic, type VII. Identifiers: Orphanet 391397, MedGen C3809882, MONDO:0014244, OMIM 615548.

Allele frequency attached by ClinVar (database versions not stated): gnomAD exomes 0.00001; ExAC 0.00002.
gnomAD v4.1: 15 of 1,613,902 alleles (0.00093%); highest among the groups gnomAD compares: South Asian, 0.015%; 1 homozygote.

Submission:

Labcorp Genetics (formerly Invitae), Labcorp
Classification: Uncertain significance for Familial episodic pain syndrome with predominantly lower limb involvement; Hereditary sensory and autonomic neuropathy type 7. Last evaluated: 2023-11-15. Review status: criteria provided, single submitter. Criteria: Invitae Variant Classification Sherloc (09022015). Collection method: clinical testing. Allele origin: germline.
Comment: This sequence change replaces glutamine, which is neutral and polar, with arginine, which is basic and polar, at codon 422 of the SCN11A protein (p.Gln422Arg). This variant is present in population databases (rs750881156, gnomAD 0.006%). This variant has not been reported in the literature in individuals affected with SCN11A-related conditions. Advanced modeling of protein sequence and biophysical properties (such as structural, functional, and spatial information, amino acid conservation, physicochemical variation, residue mobility, and thermodynamic stability) performed at Invitae indicates that this missense variant is not expected to disrupt SCN11A protein function with a negative predictive value of 80%. In summary, the available evidence is currently insufficient to determine the role of this variant in disease. Therefore, it has been classified as a Variant of Uncertain Significance.